The following is an entry in ClinVar:

NM_000834.5(GRIN2B):c.2372A>T (p.Glu791Val)

Gene: GRIN2B (glutamate ionotropic receptor NMDA type subunit 2B; minus strand). Cytogenetic location: 12p13.1.
Variant type: single nucleotide variant.
Coding change: c.2372A>T on transcript NM_000834.5 (MANE Select); coding-DNA position 2372, A replaced by T.
Protein change: p.Glu791Val; replaces glutamic acid 791 with valine.
Molecular consequence: missense variant.
Genome position (GRCh38, 1-based): chr12:13,567,251, T>A on the plus strand (A>T on the coding strand, the complement: GRIN2B is on the minus strand). VCF-style: chr12-13567251-T-A. GRCh37 (hg19) VCF-style: chr12-13720185-T-A.
Other names: c.2372A>T, p.Glu791Val (NM_001413992.1); short protein forms E791V.
Identifiers: ClinVar variation 2662677 (VCV002662677.1), dbSNP rs2497476321, ClinGen allele CA383996912.

ClinVar aggregate classification (germline): Uncertain significance (1 of 4 stars; one submission).

Submission:

GeneDx
Classification: Uncertain significance. Last evaluated: 2023-04-21. Review status: criteria provided, single submitter. Criteria: GeneDx Variant Classification Process June 2021. Collection method: clinical testing. Allele origin: germline. Affected: yes.
Comment: Not observed at significant frequency in large population cohorts (gnomAD); In silico analysis supports that this missense variant has a deleterious effect on protein structure/function; Has not been previously published as pathogenic or benign to our knowledge; This variant is associated with the following publications: (PMID: 27839871)